The following is an entry in ClinVar:

NM_177438.3(DICER1):c.4858A>G (p.Ser1620Gly)

Gene: DICER1 (dicer 1, ribonuclease III; minus strand). Cytogenetic location: 14q32.13.
Variant type: single nucleotide variant.
Coding change: c.4858A>G on transcript NM_177438.3 (MANE Select); coding-DNA position 4858, A replaced by G.
Protein change: p.Ser1620Gly; replaces serine 1620 with glycine.
Molecular consequence: missense variant.
Genome position (GRCh38, 1-based): chr14:95,096,062, T>C on the plus strand (A>G on the coding strand, the complement: DICER1 is on the minus strand). VCF-style: chr14-95096062-T-C. GRCh37 (hg19) VCF-style: chr14-95562399-T-C.
Other names: c.4858A>G (NM_177438.2); c.4858A>G, p.Ser1620Gly (NM_001195573.1, NM_001271282.3, NM_001291628.2 and 1 more transcripts); short protein forms S1620G.
Identifiers: ClinVar variation 1356034 (VCV001356034.11), dbSNP rs2139841858, ClinGen allele CA390866703.

ClinVar aggregate classification (germline): Uncertain significance. Review status: criteria provided, multiple submitters, no conflicts (2 of 4 stars). 2 submissions from 2 submitters: Uncertain significance (2). Last evaluated 2025-10-09.

Conditions:
DICER1-related tumor predisposition. Also called: DICER1 syndrome; DICER1-related pleuropulmonary blastoma cancer predisposition syndrome. Identifiers: Orphanet 284343, MedGen C3839822, MONDO:0100216.
Hereditary cancer-predisposing syndrome. Also called: Hereditary Cancer Syndrome; Hereditary neoplastic syndrome; Tumor predisposition; Neoplastic Syndromes, Hereditary. Identifiers: Orphanet 140162, MedGen C0027672, MeSH D009386, MONDO:0015356.

Submissions (2):

Ambry Genetics
Classification: Uncertain significance for Hereditary cancer-predisposing syndrome. Last evaluated: 2025-10-09. Review status: criteria provided, single submitter. Criteria: Ambry Variant Classification Scheme 2023. Collection method: clinical testing. Allele origin: germline.
Comment: The p.S1620G variant (also known as c.4858A>G), located in coding exon 22 of the DICER1 gene, results from an A to G substitution at nucleotide position 4858. The serine at codon 1620 is replaced by glycine, an amino acid with similar properties. This amino acid position is conserved. In addition, this alteration is predicted to be tolerated by in silico analysis. Based on the available evidence, the clinical significance of this variant remains unclear.

Labcorp Genetics (formerly Invitae), Labcorp
Classification: Uncertain significance for DICER1-related tumor predisposition. Last evaluated: 2025-09-24. Review status: criteria provided, single submitter. Criteria: Invitae Variant Classification Sherloc (09022015). Collection method: clinical testing. Allele origin: germline.
Comment: This sequence change replaces serine, which is neutral and polar, with glycine, which is neutral and non-polar, at codon 1620 of the DICER1 protein (p.Ser1620Gly). This variant is not present in population databases (gnomAD no frequency). This variant has not been reported in the literature in individuals affected with DICER1-related conditions. ClinVar contains an entry for this variant (Variation ID: 1356034). Invitae Evidence Modeling of protein sequence and biophysical properties (such as structural, functional, and spatial information, amino acid conservation, physicochemical variation, residue mobility, and thermodynamic stability) indicates that this missense variant is not expected to disrupt DICER1 protein function with a negative predictive value of 95%. In summary, the available evidence is currently insufficient to determine the role of this variant in disease. Therefore, it has been classified as a Variant of Uncertain Significance.